The following is an entry in ClinVar:

ClinVar aggregate classification (germline): Uncertain significance. Review status: criteria provided, multiple submitters, no conflicts (2 of 4 stars). 3 submissions from 3 submitters: Uncertain significance (2). 1 of the submissions does not count toward it. Last evaluated 2025-02-01.

Conditions:
Angioedema, hereditary, 4. Identifiers: MedGen C5543503, MONDO:0025712, OMIM 619360.
Plasminogen deficiency, type I. Also called: Hypoplasminogenemia; Type 1 plasminogen deficiency. Identifiers: Orphanet 722, MedGen C1968804, MONDO:0009009, OMIM 217090.

Allele frequency attached by ClinVar (database versions not stated): gnomAD exomes below 0.00001; gnomAD 0.00001; TOPMed 0.00002.
gnomAD v4.1: 6 of 1,613,420 alleles (0.00037%); highest among the groups gnomAD compares: Non-Finnish European, 0.00042%; no homozygotes.

Submissions (3):

Labcorp Genetics (formerly Invitae), Labcorp
Classification: Uncertain significance. Last evaluated: 2025-02-01. Review status: criteria provided, single submitter. Criteria: Invitae Variant Classification Sherloc (09022015). Collection method: clinical testing. Allele origin: germline.
Comment: This sequence change replaces glutamine, which is neutral and polar, with proline, which is neutral and non-polar, at codon 29 of the PLG protein (p.Gln29Pro). This variant is not present in population databases (gnomAD no frequency). This variant has not been reported in the literature in individuals affected with PLG-related conditions. ClinVar contains an entry for this variant (Variation ID: 1684351). Invitae Evidence Modeling of protein sequence and biophysical properties (such as structural, functional, and spatial information, amino acid conservation, physicochemical variation, residue mobility, and thermodynamic stability) indicates that this missense variant is not expected to disrupt PLG protein function with a negative predictive value of 95%. In summary, the available evidence is currently insufficient to determine the role of this variant in disease. Therefore, it has been classified as a Variant of Uncertain Significance.

Fulgent Genetics
Classification: Uncertain significance for Plasminogen deficiency, type I; Angioedema, hereditary, 4. Last evaluated: 2024-03-26. Review status: criteria provided, single submitter. Criteria: ACMG Guidelines, 2015. Collection method: clinical testing. Allele origin: germline.

ISTH-SSC Genomics in Thrombosis and Hemostasis, KU Leuven, Center for Molecular and Vascular Biology
Classification: Uncertain significance for Plasminogen deficiency, type I. Review status: no assertion criteria provided. Collection method: clinical testing. Allele origin: unknown. Affected: yes. Not counted in ClinVar's aggregate classification.
Comment: Submitted to GoldVariant by Prof Kathleen Freson from Center for Molecular and Vascular Biology, Leuven, Belgium

NM_000301.5(PLG):c.86A>C (p.Gln29Pro)

Gene: PLG (plasminogen; plus strand). Cytogenetic location: 6q26.
Variant type: single nucleotide variant.
Coding change: c.86A>C on transcript NM_000301.5 (MANE Select); coding-DNA position 86, A replaced by C.
Protein change: p.Gln29Pro; replaces glutamine 29 with proline.
Molecular consequence: missense variant.
Genome position (GRCh38, 1-based): chr6:160,706,443, A>C. VCF-style: chr6-160706443-A-C. GRCh37 (hg19) VCF-style: chr6-161127475-A-C.
Other names: c.86A>C, p.Gln29Pro (NM_001168338.1); short protein forms Q29P.
Identifiers: ClinVar variation 1684351 (VCV001684351.7), dbSNP rs1051644668, ClinGen allele CA151261839.